The following is an entry in ClinVar:

NM_000426.4(LAMA2):c.2585G>A (p.Cys862Tyr)

Gene: LAMA2 (laminin subunit alpha 2; plus strand). Cytogenetic location: 6q22.33.
Variant type: single nucleotide variant.
Coding change: c.2585G>A on transcript NM_000426.4 (MANE Select); coding-DNA position 2585, G replaced by A.
Protein change: p.Cys862Tyr; replaces cysteine 862 with tyrosine.
Molecular consequence: missense variant.
Genome position (GRCh38, 1-based): chr6:129,287,894, G>A. VCF-style: chr6-129287894-G-A. GRCh37 (hg19) VCF-style: chr6-129609039-G-A.
Other names: c.2585G>A, p.Cys862Tyr (NM_001079823.2); short protein forms C862Y.
Identifiers: ClinVar variation 2585267 (VCV002585267.1), dbSNP rs2482291953, ClinGen allele CA365609789.

ClinVar aggregate classification (germline): Uncertain significance (1 of 4 stars; one submission).

Conditions:
Muscular dystrophy, limb-girdle, autosomal recessive 23. Identifiers: Orphanet 565837, MedGen C4748327, MONDO:0029136, OMIM 618138.

Submission:

Neuberg Centre For Genomic Medicine, NCGM
Classification: Uncertain significance for Muscular dystrophy, limb-girdle, autosomal recessive 23. Review status: criteria provided, single submitter. Criteria: ACMG Guidelines, 2015. Collection method: clinical testing. Allele origin: germline. Inheritance: Autosomal recessive inheritance. Affected: yes.
Comment: The missense variant c.2585G>A (p.Cys862Tyr) in LAMA2 gene has not been reported previously as a pathogenic variant nor as a benign variant, to our knowledge. The p.Cys862Tyr variant is novel (not in any individuals) in gnomAD Exomes and 1000 Genomes. The amino acid Cys at position 862 is changed to a Tyr changing protein sequence and it might alter its composition and physico-chemical properties. The variant is predicted to be damaging by both SIFT and PolyPhen2. The residue is conserved across species. The amino acid change p.Cys862Tyr in LAMA2 is predicted as conserved by GERP++ and PhyloP across 100 vertebrates. For these reasons, this variant has been classified as Uncertain Significance.